The following is an entry in ClinVar:

NM_001378120.1(MBD5):c.1862A>T (p.Asn621Ile)

Gene: MBD5 (methyl-CpG binding domain protein 5; plus strand). Cytogenetic location: 2q23.1.
Variant type: single nucleotide variant.
Coding change: c.1862A>T on transcript NM_001378120.1 (MANE Select); coding-DNA position 1862, A replaced by T.
Protein change: p.Asn621Ile; replaces asparagine 621 with isoleucine.
Molecular consequence: missense variant.
Genome position (GRCh38, 1-based): chr2:148,469,805, A>T. VCF-style: chr2-148469805-A-T. GRCh37 (hg19) VCF-style: chr2-149227374-A-T.
Other names: c.1862A>T, p.Asn621Ile (NM_018328.5); short protein forms N621I.
Identifiers: ClinVar variation 1940634 (VCV001940634.5), dbSNP rs755768566, ClinGen allele CA1900071.

ClinVar aggregate classification (germline): Uncertain significance (1 of 4 stars; one submission).

Conditions:
Intellectual developmental disorder, autosomal dominant 1. Also called: MBD5 Haploinsufficiency; Intellectual disability, autosomal dominant 1. Identifiers: Orphanet 228402, MedGen C1969562, MONDO:0007974, OMIM 156200.

Allele frequency attached by ClinVar (database versions not stated): gnomAD exomes 0.00001; ExAC 0.00001; gnomAD 0.00001.
gnomAD v4.1: 11 of 1,613,798 alleles (0.00068%); highest among the groups gnomAD compares: East Asian, 0.022%; no homozygotes.

Submission:

Labcorp Genetics (formerly Invitae), Labcorp
Classification: Uncertain significance for Intellectual developmental disorder, autosomal dominant 1. Last evaluated: 2022-09-21. Review status: criteria provided, single submitter. Criteria: Invitae Variant Classification Sherloc (09022015). Collection method: clinical testing. Allele origin: germline.
Comment: This missense change has been observed in individual(s) with autism spectrum disorder (PMID: 28008202). Advanced modeling of protein sequence and biophysical properties (such as structural, functional, and spatial information, amino acid conservation, physicochemical variation, residue mobility, and thermodynamic stability) performed at Invitae indicates that this missense variant is not expected to disrupt MBD5 protein function. In summary, the available evidence is currently insufficient to determine the role of this variant in disease. Therefore, it has been classified as a Variant of Uncertain Significance. This variant is present in population databases (rs755768566, gnomAD 0.03%). This sequence change replaces asparagine, which is neutral and polar, with isoleucine, which is neutral and non-polar, at codon 621 of the MBD5 protein (p.Asn621Ile).

Literature cited by the submitters: PubMed 28008202.